The following is an entry in ClinVar:

ClinVar aggregate classification (germline): Uncertain significance (1 of 4 stars; one submission).

Conditions:
Long QT syndrome (LQTS). Identifiers: MedGen C0023976, MeSH D008133, MONDO:0002442. Disease mechanism: loss of function. Inheritance: Various modes of inheritance.

Submission:

Labcorp Genetics (formerly Invitae), Labcorp
Classification: Uncertain significance for Long QT syndrome. Last evaluated: 2019-05-19. Review status: criteria provided, single submitter. Criteria: Invitae Variant Classification Sherloc (09022015). Collection method: clinical testing. Allele origin: germline.
Comment: This variant results in a copy number gain of the genomic region encompassing exon 47 of the CACNA1C gene. The 5' boundary is likely confined to intron 46. The 3' end of this event is unknown as it extends beyond the assayed region for this gene and therefore may encompass additional genes. As the precise location of this event is unknown, it may be in tandem or it may be located elsewhere in the genome. This variant has not been reported in the literature in individuals with CACNA1C-related conditions. In summary, the available evidence is currently insufficient to determine the role of this variant in disease. Therefore, it has been classified as a Variant of Uncertain Significance.

NC_000012.12:g.(?_2690890)_(2691209_?)dup

Gene: CACNA1C (calcium voltage-gated channel subunit alpha1 C; plus strand). Cytogenetic location: 12p13.33.
Variant type: Duplication.
Identifiers: ClinVar variation 833252 (VCV000833252.2).